The following is an entry in ClinVar:

NM_006946.4(SPTBN2):c.5404G>A (p.Glu1802Lys)

Gene: SPTBN2 (spectrin beta, non-erythrocytic 2; minus strand). Cytogenetic location: 11q13.2.
Variant type: single nucleotide variant.
Coding change: c.5404G>A on transcript NM_006946.4 (MANE Select); coding-DNA position 5404, G replaced by A.
Protein change: p.Glu1802Lys; replaces glutamic acid 1802 with lysine.
Molecular consequence: missense variant.
Genome position (GRCh38, 1-based): chr11:66,691,445, C>T on the plus strand (G>A on the coding strand, the complement: SPTBN2 is on the minus strand). VCF-style: chr11-66691445-C-T. GRCh37 (hg19) VCF-style: chr11-66458916-C-T.
Other names: c.5404G>A (NM_006946.3); short protein forms E1802K.
Identifiers: ClinVar variation 805365 (VCV000805365.9), dbSNP rs149317715, ClinGen allele CA6128278.

ClinVar aggregate classification (germline): Conflicting classifications of pathogenicity. Review status: criteria provided, conflicting classifications (1 of 4 stars). 4 submissions from 4 submitters: Uncertain significance (3); Likely benign (1). Last evaluated 2025-08-12.

Allele frequency attached by ClinVar (database versions not stated): ExAC 0.00002; gnomAD 0.00003 and 0.00002; TOPMed 0.00002; ESP Exome Variant Server 0.00015; gnomAD exomes 0.00002 and 0.00007.
gnomAD v4.1: 112 of 1,611,874 alleles (0.0069%); highest among the groups gnomAD compares: Middle Eastern, 0.016%; no homozygotes.

Submissions (4):

Athena Diagnostics
Classification: Uncertain significance. Last evaluated: 2025-08-12. Review status: criteria provided, single submitter. Criteria: Athena Diagnostics Criteria. Collection method: clinical testing. Allele origin: unknown.
Comment: Available data are insufficient to determine the clinical significance of the variant at this time. The frequency of this variant in the general population is uninformative in assessment of its pathogenicity. Polyphen and MutationTaster predict this amino acid change may be damaging to the protein.

Revvity Omics, Revvity
Classification: Uncertain significance. Last evaluated: 2024-07-05. Review status: criteria provided, single submitter. Criteria: ACMG Guidelines, 2015. Collection method: clinical testing. Allele origin: germline.

GeneDx
Classification: Uncertain significance. Last evaluated: 2022-06-29. Review status: criteria provided, single submitter. Criteria: GeneDx Variant Classification Process June 2021. Collection method: clinical testing. Allele origin: germline. Affected: yes.
Comment: In silico analysis supports that this missense variant has a deleterious effect on protein structure/function; Has not been previously published as pathogenic or benign to our knowledge

Labcorp Genetics (formerly Invitae), Labcorp
Classification: Likely benign. Last evaluated: 2022-06-22. Review status: criteria provided, single submitter. Criteria: Invitae Variant Classification Sherloc (09022015). Collection method: clinical testing. Allele origin: germline.